The following is an entry in ClinVar:

NM_001848.3(COL6A1):c.1602C>T (p.Pro534=)

Gene: COL6A1 (collagen type VI alpha 1 chain; plus strand). Cytogenetic location: 21q22.3.
Variant type: single nucleotide variant.
Coding change: c.1602C>T on transcript NM_001848.3 (MANE Select); coding-DNA position 1602, C replaced by T.
Protein change: p.Pro534=; no amino-acid change (proline 534 retained).
Molecular consequence: synonymous variant.
Genome position (GRCh38, 1-based): chr21:45,998,424, C>T. VCF-style: chr21-45998424-C-T. GRCh37 (hg19) VCF-style: chr21-47418338-C-T.
Identifiers: ClinVar variation 284519 (VCV000284519.16), dbSNP rs143755280, ClinGen allele CA10070435.

ClinVar aggregate classification (germline): Conflicting classifications of pathogenicity. Review status: criteria provided, conflicting classifications (1 of 4 stars). 3 submissions from 3 submitters: Uncertain significance (1); Likely benign (2). Last evaluated 2025-12-28.

Conditions:
Bethlem myopathy 1A. Also called: Bethlem myopathy 1; MYOPATHY, BENIGN CONGENITAL, WITH CONTRACTURES; Bethlem Muscular Dystrophy. Identifiers: Orphanet 610, MedGen CN029274, MONDO:0024530, OMIM 158810.

Allele frequency attached by ClinVar (database versions not stated): gnomAD exomes 0.00005 and 0.00006; ExAC 0.00007; ESP Exome Variant Server 0.00008; gnomAD 0.00024 and 0.00026; TOPMed 0.00025; 1000 Genomes Project 0.00060; 1000 Genomes Project 30x 0.00062.
gnomAD v4.1: 111 of 1,613,286 alleles (0.0069%); highest among the groups gnomAD compares: African/African-American, 0.083%; no homozygotes.

Submissions (3):

Labcorp Genetics (formerly Invitae), Labcorp
Classification: Likely benign for Bethlem myopathy 1A. Last evaluated: 2025-12-28. Review status: criteria provided, single submitter. Criteria: Invitae Variant Classification Sherloc (09022015). Collection method: clinical testing. Allele origin: germline.

GeneDx
Classification: Likely benign. Last evaluated: 2018-04-06. Review status: criteria provided, single submitter. Criteria: GeneDx Variant Classification (06012015). Collection method: clinical testing. Allele origin: germline. Affected: yes.
Comment: This variant is considered likely benign or benign based on one or more of the following criteria: it is a conservative change, it occurs at a poorly conserved position in the protein, it is predicted to be benign by multiple in silico algorithms, and/or has population frequency not consistent with disease.

Eurofins Ntd Llc (ga)
Classification: Uncertain significance. Last evaluated: 2015-11-10. Review status: criteria provided, single submitter. Criteria: EGL Classification Definitions 2015. Collection method: clinical testing. Allele origin: germline. Observed: 1 variant allele, 1 heterozygote.